The following is an entry in ClinVar:

NM_015102.5(NPHP4):c.945G>A (p.Thr315=)

Gene: NPHP4 (nephrocystin 4; minus strand). Cytogenetic location: 1p36.31.
Variant type: single nucleotide variant.
Coding change: c.945G>A on transcript NM_015102.5 (MANE Select); coding-DNA position 945, G replaced by A.
Protein change: p.Thr315=; no amino-acid change (threonine 315 retained).
Molecular consequence: synonymous variant. On other transcripts: 5 prime UTR variant (2), non-coding transcript variant (1).
Genome position (GRCh38, 1-based): chr1:5,948,117, C>T on the plus strand (G>A on the coding strand, the complement: NPHP4 is on the minus strand). VCF-style: chr1-5948117-C-T. GRCh37 (hg19) VCF-style: chr1-6008177-C-T.
Other names: p.Thr315=; c.-422G>A (NM_001291593.2, NM_001291594.2).
Identifiers: ClinVar variation 198869 (VCV000198869.17), dbSNP rs115272639, ClinGen allele CA247724.
Genomic context (GRCh38, chr1:5,948,117, plus strand): 5'-CAAGAGACAATACCTGGTCTTGGAAGAGGAGACCACTTTCCTGCTGAAGCTAGCTGAGCG[C>T]GTCAAGGCCACATCCATCTCAGGCACCAGTACAACGACCTGCGGCCTCTGCACGAAGCCC-3'
Protein context (NP_055917.1, residues 305-325): VLVPEMDVAL[Thr315=]RSASFSRKVV

ClinVar aggregate classification (germline): Conflicting classifications of pathogenicity. Review status: criteria provided, conflicting classifications (1 of 4 stars). 4 submissions from 4 submitters: Uncertain significance (1); Benign (1); Likely benign (2). Last evaluated 2025-11-23.

Conditions:
Nephronophthisis. Also called: Juvenile Nephronophthisis. Identifiers: Orphanet 655, MedGen C0687120, MONDO:0019005, HP:0000090.

Allele frequency attached by ClinVar (database versions not stated): gnomAD exomes 0.00009 and 0.00023; ExAC 0.00027; 1000 Genomes Project 0.00060; 1000 Genomes Project 30x 0.00062; TOPMed 0.00096; gnomAD 0.00105 and 0.00113; ESP Exome Variant Server 0.00117.
gnomAD v4.1: 295 of 1,613,876 alleles (0.018%); highest among the groups gnomAD compares: African/African-American, 0.35%; no homozygotes.

Submissions (4):

Labcorp Genetics (formerly Invitae), Labcorp
Classification: Benign for Nephronophthisis. Last evaluated: 2025-11-23. Review status: criteria provided, single submitter. Criteria: Invitae Variant Classification Sherloc (09022015). Collection method: clinical testing. Allele origin: germline.

Mayo Clinic Laboratories, Mayo Clinic
Classification: Likely benign. Last evaluated: 2025-06-04. Review status: criteria provided, single submitter. Criteria: ACMG Guidelines, 2015. Collection method: clinical testing. Allele origin: germline. Observed: 1 variant allele.
Comment: BS1

Blueprint Genetics
Classification: Likely benign. Last evaluated: 2023-11-28. Review status: criteria provided, single submitter. Criteria: ACMG Guidelines, 2015. Collection method: clinical testing. Allele origin: germline.

Eurofins Ntd Llc (ga)
Classification: Uncertain significance. Last evaluated: 2018-04-20. Review status: criteria provided, single submitter. Criteria: EGL ClinVar v180209 classification definitions. Collection method: clinical testing. Allele origin: germline. Observed: 6 variant alleles, 6 heterozygotes.